The following is an entry in ClinVar:

NM_016579.4(CD320):c.679A>G (p.Thr227Ala)

Gene: CD320 (CD320 molecule; minus strand). Cytogenetic location: 19p13.2.
Variant type: single nucleotide variant.
Coding change: c.679A>G on transcript NM_016579.4 (MANE Select); coding-DNA position 679, A replaced by G.
Protein change: p.Thr227Ala; replaces threonine 227 with alanine.
Molecular consequence: missense variant.
Genome position (GRCh38, 1-based): chr19:8,302,804, T>C on the plus strand (A>G on the coding strand, the complement: CD320 is on the minus strand). VCF-style: chr19-8302804-T-C. GRCh37 (hg19) VCF-style: chr19-8367688-T-C.
Other names: c.553A>G, p.Thr185Ala (NM_001165895.2); short protein forms T185A, T227A.
Identifiers: ClinVar variation 1432781 (VCV001432781.6), dbSNP rs766740010, ClinGen allele CA9154657.

ClinVar aggregate classification (germline): Uncertain significance (1 of 4 stars; one submission).

Conditions:
Methylmalonic acidemia due to transcobalamin receptor defect (MATR). Also called: METHYLMALONIC ACIDURIA, TRANSIENT, DUE TO TRANSCOBALAMIN RECEPTOR DEFECT; METHYLMALONIC ACIDEMIA, TCblR TYPE. Identifiers: Orphanet 280183, MedGen C4749905, MONDO:0013341, OMIM 613646.

Submission:

Labcorp Genetics (formerly Invitae), Labcorp
Classification: Uncertain significance for Methylmalonic acidemia due to transcobalamin receptor defect. Last evaluated: 2025-07-25. Review status: criteria provided, single submitter. Criteria: Invitae Variant Classification Sherloc (09022015). Collection method: clinical testing. Allele origin: germline.
Comment: This sequence change replaces threonine, which is neutral and polar, with alanine, which is neutral and non-polar, at codon 227 of the CD320 protein (p.Thr227Ala). This variant is present in population databases (rs766740010, gnomAD 0.01%). This variant has not been reported in the literature in individuals affected with CD320-related conditions. ClinVar contains an entry for this variant (Variation ID: 1432781). An algorithm developed to predict the effect of missense changes on protein structure and function outputs the following: PolyPhen-2: "Benign". The alanine amino acid residue is found in multiple mammalian species, which suggests that this missense change does not adversely affect protein function. In summary, the available evidence is currently insufficient to determine the role of this variant in disease. Therefore, it has been classified as a Variant of Uncertain Significance.